The following is an entry in ClinVar:

NM_133642.5(LARGE1):c.1998C>G (p.Asp666Glu)

Gene: LARGE1 (LARGE xylosyl- and glucuronyltransferase 1; minus strand). Cytogenetic location: 22q12.3.
Variant type: single nucleotide variant.
Coding change: c.1998C>G on transcript NM_133642.5 (MANE Select); coding-DNA position 1998, C replaced by G.
Protein change: p.Asp666Glu; replaces aspartic acid 666 with glutamic acid.
Molecular consequence: missense variant.
Genome position (GRCh38, 1-based): chr22:33,277,135, G>C on the plus strand (C>G on the coding strand, the complement: LARGE1 is on the minus strand). VCF-style: chr22-33277135-G-C. GRCh37 (hg19) VCF-style: chr22-33673121-G-C.
Other names: c.1998C>G, p.Asp666Glu (NM_001362949.2, NM_001362951.2, NM_001362953.2 and 4 more transcripts); c.1851C>G, p.Asp617Glu (NM_001378627.1, NM_001378628.1); c.1842C>G, p.Asp614Glu (NM_001378629.1); c.1395C>G, p.Asp465Glu (NM_001378630.1); c.1092C>G, p.Asp364Glu (NM_001378631.1); short protein forms D617E, D666E, D614E, D364E, D465E.
Identifiers: ClinVar variation 1443076 (VCV001443076.6), dbSNP rs144197077, ClinGen allele CA323708118.

ClinVar aggregate classification (germline): Uncertain significance (1 of 4 stars; one submission).

Conditions:
Muscular dystrophy-dystroglycanopathy type B6 (MDDGB6). Also called: MUSCULAR DYSTROPHY-DYSTROGLYCANOPATHY (CONGENITAL WITH IMPAIRED INTELLECTUAL DEVELOPMENT), TYPE B, 6; MUSCULAR DYSTROPHY, CONGENITAL, LARGE-RELATED; MUSCULAR DYSTROPHY, CONGENITAL, TYPE 1D. Identifiers: MedGen C1837229, MONDO:0012138, OMIM 608840.

Allele frequency attached by ClinVar (database versions not stated): ESP Exome Variant Server 0.00008.
gnomAD v4.1: 3 of 1,614,150 alleles (0.00019%); highest among the groups gnomAD compares: African/African-American, 0.004%; no homozygotes.

Submission:

Labcorp Genetics (formerly Invitae), Labcorp
Classification: Uncertain significance for Muscular dystrophy-dystroglycanopathy type B6. Last evaluated: 2024-01-15. Review status: criteria provided, single submitter. Criteria: Invitae Variant Classification Sherloc (09022015). Collection method: clinical testing. Allele origin: germline.
Comment: This sequence change replaces aspartic acid, which is acidic and polar, with glutamic acid, which is acidic and polar, at codon 666 of the LARGE1 protein (p.Asp666Glu). This variant is present in population databases (rs144197077, gnomAD 0.01%). This variant has not been reported in the literature in individuals affected with LARGE1-related conditions. ClinVar contains an entry for this variant (Variation ID: 1443076). Advanced modeling of protein sequence and biophysical properties (such as structural, functional, and spatial information, amino acid conservation, physicochemical variation, residue mobility, and thermodynamic stability) performed at Invitae indicates that this missense variant is not expected to disrupt LARGE1 protein function with a negative predictive value of 80%. In summary, the available evidence is currently insufficient to determine the role of this variant in disease. Therefore, it has been classified as a Variant of Uncertain Significance.